The following is an entry in ClinVar:

ClinVar aggregate classification (germline): Uncertain significance (0 of 4 stars; one submission).

Conditions:
PHF3-related disorder. Also called: PHF3-related condition.

Submission:

PreventionGenetics, part of Exact Sciences
Classification: Uncertain significance for PHF3-related condition. Last evaluated: 2024-08-01. Review status: no assertion criteria provided. Collection method: clinical testing. Allele origin: germline.
Comment: The PHF3 c.1822A>G variant is predicted to result in the amino acid substitution p.Lys608Glu. To our knowledge, this variant has not been reported in the literature or in a large population database, indicating this variant is rare. At this time, the clinical significance of this variant is uncertain due to the absence of conclusive functional and genetic evidence.

NM_001370348.2(PHF3):c.1822A>G (p.Lys608Glu)

Gene: PHF3 (PHD finger protein 3; plus strand). Cytogenetic location: 6q12.
Variant type: single nucleotide variant.
Coding change: c.1822A>G on transcript NM_001370348.2 (MANE Select); coding-DNA position 1822, A replaced by G.
Protein change: p.Lys608Glu; replaces lysine 608 with glutamic acid.
Molecular consequence: missense variant. On other transcripts: intron variant (1).
Genome position (GRCh38, 1-based): chr6:63,685,544, A>G. VCF-style: chr6-63685544-A-G. GRCh37 (hg19) VCF-style: chr6-64395445-A-G.
Other names: c.1558A>G, p.Lys520Glu (NM_001290259.2, NM_001370349.2); c.1822A>G, p.Lys608Glu (NM_001290260.2, NM_015153.4); c.-5+5383A>G (NM_001370350.2); short protein forms K520E, K608E.
Identifiers: ClinVar variation 3346135 (VCV003346135.1).